The following is an entry in ClinVar:

NM_001170629.2(CHD8):c.3592C>A (p.Pro1198Thr)

Gene: CHD8 (chromodomain helicase DNA binding protein 8; minus strand). Cytogenetic location: 14q11.2.
Variant type: single nucleotide variant.
Coding change: c.3592C>A on transcript NM_001170629.2 (MANE Select); coding-DNA position 3592, C replaced by A.
Protein change: p.Pro1198Thr; replaces proline 1198 with threonine.
Molecular consequence: missense variant.
Genome position (GRCh38, 1-based): chr14:21,403,139, G>T on the plus strand (C>A on the coding strand, the complement: CHD8 is on the minus strand). VCF-style: chr14-21403139-G-T. GRCh37 (hg19) VCF-style: chr14-21871298-G-T.
Other names: c.2755C>A, p.Pro919Thr (NM_020920.4); short protein forms P1198T, P919T.
Identifiers: ClinVar variation 2663114 (VCV002663114.1), dbSNP rs1888106049, ClinGen allele CA388900069.
Genomic context (GRCh38, chr14:21,403,139, plus strand): 5'-GATTAATACCAAGTCCACCAGCCCGGGTACACAGTAAGAAGACAAAGCGGTCTGAGTCAG[G>T]CTTGCTGAAGCGGTCAATGGCAGCCTGTCGAAGGTTGCCTCTAACTCGCCCATCAATACG-3'
Protein context (NP_001164100.1, residues 1188-1208): RQAAIDRFSK[Pro1198Thr]DSDRFVFLLC

ClinVar aggregate classification (germline): Uncertain significance (1 of 4 stars; one submission).

Allele frequency attached by ClinVar (database versions not stated): gnomAD 0.00001.
gnomAD v4.1: 2 of 1,613,918 alleles (0.00012%); highest among the groups gnomAD compares: Admixed American, 0.0033%; no homozygotes.

Submission:

GeneDx
Classification: Uncertain significance. Last evaluated: 2023-05-09. Review status: criteria provided, single submitter. Criteria: GeneDx Variant Classification Process June 2021. Collection method: clinical testing. Allele origin: germline. Affected: yes.
Comment: Not observed at significant frequency in large population cohorts (gnomAD); In silico analysis supports that this missense variant has a deleterious effect on protein structure/function; Has not been previously published as pathogenic or benign to our knowledge